The following is an entry in ClinVar:

ClinVar aggregate classification (germline): Uncertain significance. Review status: criteria provided, multiple submitters, no conflicts (2 of 4 stars). 3 submissions from 3 submitters: Uncertain significance (2). 1 of the submissions does not count toward it. Last evaluated 2025-06-07.

Conditions:
Atrioventricular septal defect 4 (AVSD4). Identifiers: MedGen C3280781, MONDO:0013747, OMIM 614430.
Atrial septal defect 2 (ASD2). Identifiers: Orphanet 1478, MedGen C1842778, MONDO:0011938, OMIM 607941.

Submissions (3):

Labcorp Genetics (formerly Invitae), Labcorp
Classification: Uncertain significance for Atrioventricular septal defect 4. Last evaluated: 2025-06-07. Review status: criteria provided, single submitter. Criteria: Invitae Variant Classification Sherloc (09022015). Collection method: clinical testing. Allele origin: germline.
Comment: This sequence change replaces glutamine, which is neutral and polar, with glutamic acid, which is acidic and polar, at codon 316 of the GATA4 protein (p.Gln316Glu). This variant is not present in population databases (gnomAD no frequency). This missense change has been observed in individual(s) with clinical features of GATA4-related conditions (PMID: 18055909). ClinVar contains an entry for this variant (Variation ID: 9033). Invitae Evidence Modeling of protein sequence and biophysical properties (such as structural, functional, and spatial information, amino acid conservation, physicochemical variation, residue mobility, and thermodynamic stability) indicates that this missense variant is expected to disrupt GATA4 protein function with a positive predictive value of 95%. Experimental studies have shown that this missense change does not substantially affect GATA4 function (PMID: 27391137). In summary, the available evidence is currently insufficient to determine the role of this variant in disease. Therefore, it has been classified as a Variant of Uncertain Significance.

Blueprint Genetics
Classification: Uncertain significance. Last evaluated: 2024-04-29. Review status: criteria provided, single submitter. Criteria: ACMG Guidelines, 2015. Collection method: clinical testing. Allele origin: germline.

OMIM
Classification: Pathogenic for ATRIAL SEPTAL DEFECT 2. Last evaluated: 2007-12-01. Review status: no assertion criteria provided. Collection method: literature only. Allele origin: germline. Not counted in ClinVar's aggregate classification.

Literature cited by the submitters: PubMed 18055909 (cited by Labcorp Genetics (formerly Invitae), Labcorp and OMIM); PubMed 27391137 (cited by Labcorp Genetics (formerly Invitae), Labcorp).

NM_001308093.3(GATA4):c.949C>G (p.Gln317Glu)

Gene: GATA4 (GATA binding protein 4). Cytogenetic location: 8p23.1.
Variant type: single nucleotide variant.
Coding change: c.949C>G on transcript NM_001308093.3 (MANE Select); coding-DNA position 949, C replaced by G.
Protein change: p.Gln317Glu; replaces glutamine 317 with glutamic acid.
Molecular consequence: missense variant.
Genome position (GRCh38, 1-based): chr8:11,755,082, C>G. VCF-style: chr8-11755082-C-G. GRCh37 (hg19) VCF-style: chr8-11612591-C-G.
Other names: c.328C>G, p.Gln110Glu (NM_001308094.2, NM_001374273.1); c.202C>G, p.Gln68Glu (NM_001374274.1); c.946C>G, p.Gln316Glu (NM_002052.5); short protein forms Q316E, Q110E, Q317E, Q68E.
Identifiers: ClinVar variation 9033 (VCV000009033.9), dbSNP rs56298569, ClinGen allele CA212663.
Genomic context (GRCh38, chr8:11,755,082, plus strand): 5'-ATATATTTACTTGTGACCCTCCAGGTCCCCAGGCCTCTTGCAATGCGGAAAGAGGGGATC[C>G]AAACCAGAAAACGGAAGCCCAAGAACCTGAATAAATCTAAGACACCAGCAGGTGAGGAAA-3'
Protein context (NP_001295022.1, residues 307-327): RPLAMRKEGI[Gln317Glu]TRKRKPKNLN